The following is an entry in ClinVar:

ClinVar aggregate classification (germline): Benign. Review status: criteria provided, multiple submitters, no conflicts (2 of 4 stars). 6 submissions from 6 submitters: Benign (6). Last evaluated 2026-02-04.

Conditions:
Combined oxidative phosphorylation defect type 27. Also called: Combined oxidative phosphorylation deficiency 27. Identifiers: Orphanet 477774, MedGen C5567608, MONDO:0014728, OMIM 616672.

Allele frequency attached by ClinVar (database versions not stated): ExAC 0.39639; gnomAD exomes 0.40198 and 0.34257; ESP Exome Variant Server 0.41281; gnomAD 0.42352 and 0.42363; TOPMed 0.44731; 1000 Genomes Project 0.47424; 1000 Genomes Project 30x 0.47892.
gnomAD v4.1: 566,382 of 1,613,002 alleles (35%); highest among the groups gnomAD compares: African/African-American, 60%; 105,687 homozygotes.

Submissions (6):

Labcorp Genetics (formerly Invitae), Labcorp
Classification: Benign for Combined oxidative phosphorylation defect type 27. Last evaluated: 2026-02-04. Review status: criteria provided, single submitter. Criteria: Invitae Variant Classification Sherloc (09022015). Collection method: clinical testing. Allele origin: germline.

Unidad de Genómica Garrahan, Hospital de Pediatría Garrahan
Classification: Benign. Last evaluated: 2024-07-31. Review status: criteria provided, single submitter. Criteria: ACMG Guidelines, 2015. Collection method: clinical testing. Allele origin: germline. Affected: no. Observed: 67 variant alleles.
Comment: This variant is classified as Benign based on local population frequency. This variant was detected in 72% of patients studied in a panel designed for Epileptic and Developmental Encephalopathy, Progressive Myoclonus Epilepsy and Abnormal Movements and Neurodegeneration with brain iron accumulation. Number of patients: 67. Only high quality variants are reported.

Mayo Clinic Laboratories, Mayo Clinic
Classification: Benign. Last evaluated: 2022-10-27. Review status: criteria provided, single submitter. Criteria: ACMG Guidelines, 2015. Collection method: clinical testing. Allele origin: germline. Observed: 324 variant alleles.

Genome-Nilou Lab
Classification: Benign for Combined oxidative phosphorylation defect type 27. Last evaluated: 2021-07-14. Review status: criteria provided, single submitter. Criteria: ACMG Guidelines, 2015. Collection method: clinical testing. Allele origin: germline. Affected: no.

GeneDx
Classification: Benign. Last evaluated: 2015-12-02. Review status: criteria provided, single submitter. Criteria: GeneDx Variant Classification (06012015). Collection method: clinical testing. Allele origin: germline. Affected: yes.
Comment: This variant is considered likely benign or benign based on one or more of the following criteria: it is a conservative change, it occurs at a poorly conserved position in the protein, it is predicted to be benign by multiple in silico algorithms, and/or has population frequency not consistent with disease.

Breakthrough Genomics
Classification: Benign. Review status: criteria provided, single submitter. Criteria: ACMG Guidelines, 2015. Collection method: not provided. Allele origin: germline. Inheritance: Autosomal recessive inheritance. Affected: yes.

NM_024537.4(CARS2):c.1239T>C (p.Asp413=)

Gene: CARS2 (cysteinyl-tRNA synthetase 2, mitochondrial; minus strand). Cytogenetic location: 13q34.
Variant type: single nucleotide variant.
Coding change: c.1239T>C on transcript NM_024537.4 (MANE Select); coding-DNA position 1239, T replaced by C.
Protein change: p.Asp413=; no amino-acid change (aspartic acid 413 retained).
Molecular consequence: synonymous variant. On other transcripts: non-coding transcript variant (2).
Genome position (GRCh38, 1-based): chr13:110,646,045, A>G on the plus strand (T>C on the coding strand, the complement: CARS2 is on the minus strand). VCF-style: chr13-110646045-A-G. GRCh37 (hg19) VCF-style: chr13-111298392-A-G.
Other names: p.Asp413=; c.453T>C, p.Asp151= (NM_001352252.2).
Identifiers: ClinVar variation 379950 (VCV000379950.16), dbSNP rs436462, ClinGen allele CA7051855.